The following is an entry in ClinVar:

NM_004387.4(NKX2-5):c.877G>A (p.Val293Met)

Gene: NKX2-5 (NK2 homeobox 5; minus strand). Cytogenetic location: 5q35.1.
Variant type: single nucleotide variant.
Coding change: c.877G>A on transcript NM_004387.4 (MANE Select); coding-DNA position 877, G replaced by A.
Protein change: p.Val293Met; replaces valine 293 with methionine.
Molecular consequence: missense variant. On other transcripts: 3 prime UTR variant (2).
Genome position (GRCh38, 1-based): chr5:173,232,667, C>T on the plus strand (G>A on the coding strand, the complement: NKX2-5 is on the minus strand). VCF-style: chr5-173232667-C-T. GRCh37 (hg19) VCF-style: chr5-172659670-C-T.
Other names: c.*830G>A (NM_001166175.2); c.*676G>A (NM_001166176.2); short protein forms V293M.
Identifiers: ClinVar variation 4120358 (VCV004120358.1).

ClinVar aggregate classification (germline): Uncertain significance (1 of 4 stars; one submission).

Conditions:
Cardiovascular phenotype. Identifiers: MedGen CN230736.

Submission:

Ambry Genetics
Classification: Uncertain significance for Cardiovascular phenotype. Last evaluated: 2025-07-30. Review status: criteria provided, single submitter. Criteria: Ambry Variant Classification Scheme 2023. Collection method: clinical testing. Allele origin: germline.
Comment: The p.V293M variant (also known as c.877G>A), located in coding exon 2 of the NKX2-5 gene, results from a G to A substitution at nucleotide position 877. The valine at codon 293 is replaced by methionine, an amino acid with highly similar properties. This amino acid position is conserved. In addition, this alteration is predicted to be tolerated by in silico analysis. Based on the available evidence, the clinical significance of this variant remains unclear.